The following is an entry in ClinVar:

ClinVar aggregate classification (germline): Likely benign. Review status: criteria provided, multiple submitters, no conflicts (2 of 4 stars). 2 submissions from 2 submitters: Likely benign (2). Last evaluated 2024-07-09.

Allele frequency attached by ClinVar (database versions not stated): ESP Exome Variant Server 0.00016; 1000 Genomes Project 0.00020; gnomAD exomes 0.00020 and 0.00033; gnomAD 0.00024 and 0.00025; TOPMed 0.00025; ExAC 0.00029; 1000 Genomes Project 30x 0.00047.
gnomAD v4.1: 514 of 1,614,094 alleles (0.032%); highest among the groups gnomAD compares: Non-Finnish European, 0.042%; 2 homozygotes.

Submissions (2):

Blueprint Genetics
Classification: Likely benign. Last evaluated: 2024-07-09. Review status: criteria provided, single submitter. Criteria: ACMG Guidelines, 2015. Collection method: clinical testing. Allele origin: germline.

CeGaT Center for Human Genetics Tuebingen
Classification: Likely benign. Last evaluated: 2024-01-01. Review status: criteria provided, single submitter. Criteria: CeGaT Center For Human Genetics Tuebingen Variant Classification Criteria Version 2. Collection method: clinical testing. Allele origin: germline. Affected: yes. Observed: 3 variant alleles.
Comment: CUX2: BP4, BP7

NM_015267.4(CUX2):c.4107C>T (p.Ala1369=)

Gene: CUX2 (cut like homeobox 2; plus strand). Cytogenetic location: 12q24.12.
Variant type: single nucleotide variant.
Coding change: c.4107C>T on transcript NM_015267.4 (MANE Select); coding-DNA position 4107, C replaced by T.
Protein change: p.Ala1369=; no amino-acid change (alanine 1369 retained).
Molecular consequence: synonymous variant.
Genome position (GRCh38, 1-based): chr12:111,347,971, C>T. VCF-style: chr12-111347971-C-T. GRCh37 (hg19) VCF-style: chr12-111785775-C-T.
Other names: c.3921C>T, p.Ala1307= (NM_001370598.1).
Identifiers: ClinVar variation 1675512 (VCV001675512.34), dbSNP rs138469924, ClinGen allele CA6789291.
Genomic context (GRCh38, chr12:111,347,971, plus strand): 5'-CCTTCCAGGTGGATCCACCCCAGACTGTCCCTCACTTCATCCCCAACAGGAGAGTGAGGC[C>T]GGGGAGCGACTTCACCCGGACCCTTTAAGTTTTAAGTCAGCCTCAGAGTCCTCACGCTGC-3'
Protein context (NP_056082.2, residues 1359-1379): PSLHPQQESE[Ala1369=]GERLHPDPLS